The following is an entry in ClinVar:

NM_001283009.2(RTEL1):c.3514G>C (p.Glu1172Gln)

Genes: RTEL1 (regulator of telomere elongation helicase 1; plus strand), RTEL1-TNFRSF6B (RTEL1-TNFRSF6B readthrough (NMD candidate); plus strand). Cytogenetic location: 20q13.33.
Variant type: single nucleotide variant.
Coding change: c.3514G>C on transcript NM_001283009.2 (MANE Select); coding-DNA position 3514, G replaced by C.
Protein change: p.Glu1172Gln; replaces glutamic acid 1172 with glutamine.
Molecular consequence: missense variant. On other transcripts: non-coding transcript variant (1).
Genome position (GRCh38, 1-based): chr20:63,695,342, G>C. VCF-style: chr20-63695342-G-C. GRCh37 (hg19) VCF-style: chr20-62326695-G-C.
Other names: c.2845G>C, p.Glu949Gln (NM_001283010.1); c.3514G>C, p.Glu1172Gln (NM_016434.4); c.3586G>C, p.Glu1196Gln (NM_032957.5); short protein forms E1172Q, E1196Q, E949Q.
Identifiers: ClinVar variation 3948422 (VCV003948422.1).
Genomic context (GRCh38, chr20:63,695,342, plus strand): 5'-GCAGCAAAGCCCCAGGCCCCCCTCAGACTCAAGTCTCTGTCTCCAGGCCCCTCACGGTCC[G>C]AGAAGACCGGGAAGACCCAGAGCAAGATCTCGTCCTTCCTTAGACAGAGGCCAGCAGGGA-3'
Protein context (NP_001269938.1, residues 1162-1182): RAPQPGPSRS[Glu1172Gln]KTGKTQSKIS

ClinVar aggregate classification (germline): Uncertain significance (1 of 4 stars; one submission).

Conditions:
Inborn genetic diseases. Identifiers: MedGen C0950123, MeSH D030342.

gnomAD v4.1: 3 of 1,554,008 alleles (0.00019%); highest among the groups gnomAD compares: Non-Finnish European, 0.00026%; no homozygotes.

Submission:

Ambry Genetics
Classification: Uncertain significance for Inborn genetic diseases. Last evaluated: 2025-05-25. Review status: criteria provided, single submitter. Criteria: Ambry Variant Classification Scheme 2023. Collection method: clinical testing. Allele origin: germline.
Comment: The p.E1172Q variant (also known as c.3514G>C), located in coding exon 33 of the RTEL1 gene, results from a G to C substitution at nucleotide position 3514. The glutamic acid at codon 1172 is replaced by glutamine, an amino acid with highly similar properties. This amino acid position is conserved. In addition, this alteration is predicted to be tolerated by in silico analysis. Based on the available evidence, the clinical significance of this variant remains unclear.